The following is an entry in ClinVar:

ClinVar aggregate classification (germline): Uncertain significance (1 of 4 stars; one submission).

Allele frequency attached by ClinVar (database versions not stated): gnomAD exomes below 0.00001.
gnomAD v4.1: 3 of 1,578,200 alleles (0.00019%); highest among the groups gnomAD compares: South Asian, 0.0035%; no homozygotes.

Submission:

GeneDx
Classification: Uncertain significance. Last evaluated: 2022-09-21. Review status: criteria provided, single submitter. Criteria: GeneDx Variant Classification Process June 2021. Collection method: clinical testing. Allele origin: germline. Affected: yes.
Comment: Not observed at significant frequency in large population cohorts (gnomAD); In silico analysis supports that this missense variant does not alter protein structure/function; Has not been previously published as pathogenic or benign to our knowledge

NM_031466.8(TRAPPC9):c.-282G>A

Gene: TRAPPC9 (trafficking protein particle complex subunit 9; minus strand). Cytogenetic location: 8q24.3.
Variant type: single nucleotide variant.
Coding change: c.-282G>A on transcript NM_031466.8; 282 bases upstream of the start codon, G replaced by A.
Molecular consequence: 5 prime UTR variant.
Genome position (GRCh38, 1-based): chr8:140,458,552, C>T on the plus strand (G>A on the coding strand, the complement: TRAPPC9 is on the minus strand). VCF-style: chr8-140458552-C-T. GRCh37 (hg19) VCF-style: chr8-141468651-C-T.
Identifiers: ClinVar variation 2446667 (VCV002446667.1), dbSNP rs1177726873, ClinGen allele CA372321407.
Genomic context (GRCh38, chr8:140,458,552, plus strand): 5'-GTGAGGTGCGAGCCCCAGCCTGGGCCGGCTTCCCCCTGTGTGGCGCGCGGTCTTGATCCC[C>T]AGCTGGCACCATGGCACTCCCGACTTTGAGGGCCCCAACAATCCATCCACATAAAAGGTT-3'